The following is an entry in ClinVar:

ClinVar aggregate classification (germline): Likely pathogenic (1 of 4 stars; one submission).

Conditions:
CFTR-related disorder (CFTR-RD). Also called: CFTR-related disorders; CFTR-related condition. Identifiers: MedGen C5924204, MONDO:7770004.

Submission:

Natera, Inc.
Classification: Likely pathogenic for CFTR-related disorders. Last evaluated: 2024-12-30. Review status: criteria provided, single submitter. Criteria: Natera Variant Classification Schema (03/2026). Collection method: clinical testing. Allele origin: germline.
Comment: The c.4252dup variant in CFTR is a frameshift variant predicted to shift the reading frame beginning at codon 1418 and leads to a stop codon 44 codons downstream. This variant is expected to result in nonsense mediated decay, truncation, or a dysfunctional protein product. This variant is rare in the general population with a frequency below the threshold expected for the associated phenotype(s). Given the available evidence, this variant is classified as Likely Pathogenic.

NM_000492.4(CFTR):c.4252dup (p.Glu1418fs)

Genes: CFTR (CF transmembrane conductance regulator; plus strand), LOC111674477 (CFTR intron 23 enhancer; plus strand). Cytogenetic location: 7q31.2.
Variant type: Duplication.
Coding change: c.4252dup on transcript NM_000492.4 (MANE Select); coding-DNA position 4252, one base duplicated (G; older notation c.4252dupG).
Protein change: p.Glu1418fs; shifts the reading frame from glutamic acid 1418.
Molecular consequence: frameshift variant.
Genome position (GRCh38, 1-based): chr7:117,666,917, G duplicated. VCF-style (leftmost placement, unchanged base first): chr7-117666916-A-AG. GRCh37 (hg19) VCF-style: chr7-117306970-A-AG.
Other names: short protein forms E1418fs.
Identifiers: ClinVar variation 4818558 (VCV004818558.1).